The following is an entry in ClinVar:

NM_006147.4(IRF6):c.1052T>C (p.Phe351Ser)

Gene: IRF6 (interferon regulatory factor 6; minus strand). Cytogenetic location: 1q32.2.
Variant type: single nucleotide variant.
Coding change: c.1052T>C on transcript NM_006147.4 (MANE Select); coding-DNA position 1052, T replaced by C.
Protein change: p.Phe351Ser; replaces phenylalanine 351 with serine.
Molecular consequence: missense variant.
Genome position (GRCh38, 1-based): chr1:209,790,503, A>G on the plus strand (T>C on the coding strand, the complement: IRF6 is on the minus strand). VCF-style: chr1-209790503-A-G. GRCh37 (hg19) VCF-style: chr1-209963848-A-G.
Other names: c.767T>C, p.Phe256Ser (NM_001206696.2); short protein forms F351S, F256S.
Identifiers: ClinVar variation 1455254 (VCV001455254.8), dbSNP rs1224922793, ClinGen allele CA344575045.

ClinVar aggregate classification (germline): Pathogenic (1 of 4 stars; one submission).

Conditions:
Popliteal pterygium syndrome (PPS). Identifiers: Orphanet 294963, MedGen C0265259, MONDO:0017435.
Orofacial cleft 6, susceptibility to (OFC6). Also called: CLEFT LIP WITH OR WITHOUT CLEFT PALATE, NONSYNDROMIC, 6. Identifiers: MedGen C1837213, MONDO:0012141, OMIM 608864.
Van der Woude syndrome. Identifiers: Orphanet 888, MedGen C0175697, MONDO:0019508.

Submission:

Labcorp Genetics (formerly Invitae), Labcorp
Classification: Pathogenic for Orofacial cleft 6, susceptibility to; Van der Woude syndrome; Popliteal pterygium syndrome. Last evaluated: 2021-01-13. Review status: criteria provided, single submitter. Criteria: Invitae Variant Classification Sherloc (09022015). Collection method: clinical testing. Allele origin: germline.
Comment: For these reasons, this variant has been classified as Pathogenic. This sequence change replaces phenylalanine with serine at codon 351 of the IRF6 protein (p.Phe351Ser). The phenylalanine residue is highly conserved and there is a large physicochemical difference between phenylalanine and serine. This variant is not present in population databases (ExAC no frequency). In at least one individual the variant was observed to be de novo. Advanced modeling of protein sequence and biophysical properties (such as structural, functional, and spatial information, amino acid conservation, physicochemical variation, residue mobility, and thermodynamic stability) performed at Invitae indicates that this missense variant is expected to disrupt IRF6 protein function.